The following is an entry in ClinVar:

NM_001377.3(DYNC2H1):c.11324A>G (p.Asp3775Gly)

Gene: DYNC2H1 (dynein cytoplasmic 2 heavy chain 1; plus strand). Cytogenetic location: 11q22.3.
Variant type: single nucleotide variant.
Coding change: c.11324A>G on transcript NM_001377.3 (MANE Select); coding-DNA position 11324, A replaced by G.
Protein change: p.Asp3775Gly; replaces aspartic acid 3775 with glycine.
Molecular consequence: missense variant.
Genome position (GRCh38, 1-based): chr11:103,304,662, A>G. VCF-style: chr11-103304662-A-G. GRCh37 (hg19) VCF-style: chr11-103175391-A-G.
Other names: c.11345A>G, p.Asp3782Gly (NM_001080463.2); short protein forms D3775G, D3782G.
Identifiers: ClinVar variation 2663193 (VCV002663193.1), dbSNP rs2496867548, ClinGen allele CA382261288.

ClinVar aggregate classification (germline): Uncertain significance (1 of 4 stars; one submission).

gnomAD v4.1: 1 of 1,613,416 alleles (0.000062%); highest among the groups gnomAD compares: Non-Finnish European, 0.000085%; no homozygotes.

Submission:

GeneDx
Classification: Uncertain significance. Last evaluated: 2023-04-11. Review status: criteria provided, single submitter. Criteria: GeneDx Variant Classification Process June 2021. Collection method: clinical testing. Allele origin: germline. Affected: yes.
Comment: Not observed at significant frequency in large population cohorts (gnomAD); In silico analysis supports that this missense variant has a deleterious effect on protein structure/function; Has not been previously published as pathogenic or benign to our knowledge